The following is an entry in ClinVar:

ClinVar aggregate classification (germline): Pathogenic/Likely pathogenic. Review status: criteria provided, multiple submitters, no conflicts (2 of 4 stars). 4 submissions from 4 submitters: Pathogenic (3); Likely pathogenic (1). Last evaluated 2025-04-28.

Conditions:
ABCA4-related disorder. Also called: ABCA4-related condition; ABCA4-related disorders. Identifiers: MedGen CN239167.
Retinal dystrophy. Also called: Inherited retinal dystrophy. Identifiers: Orphanet 71862, MedGen C0854723, MeSH D058499, MONDO:0019118, HP:0000556.
Retinitis pigmentosa (RP). Identifiers: Orphanet 791, MedGen C0035334, MeSH D012174, MONDO:0019200, OMIM 268000. Inheritance: Autosomal dominant, autosomal recessive and X linked inheritance.

Allele frequency attached by ClinVar (database versions not stated): gnomAD exomes below 0.00001; TOPMed below 0.00001.

Submissions (4):

Women's Health and Genetics/Laboratory Corporation of America, LabCorp
Classification: Pathogenic for Retinitis pigmentosa. Last evaluated: 2025-04-28. Review status: criteria provided, single submitter. Criteria: LabCorp Variant Classification Summary - May 2015. Collection method: clinical testing. Allele origin: germline.
Comment: Variant summary: ABCA4 c.6095A>G (p.His2032Arg) results in a non-conservative amino acid change in the encoded protein sequence. Five of five in-silico tools predict a damaging effect of the variant on protein function. The variant was absent in 251400 control chromosomes. c.6095A>G has been observed in multiple individuals affected with Retinitis Pigmentosa or with Stargardt Disease (e.g. Zhang_2014, Zaneveld_2015, Liu_2020, Raj_2020, Kiel_2024). These data indicate that the variant is very likely to be associated with disease. To our knowledge, no experimental evidence demonstrating an impact on protein function has been reported. The following publications have been ascertained in the context of this evaluation (PMID: 39462066, 33090715, 31934596, 25474345, 24763286). ClinVar contains an entry for this variant (Variation ID: 867188). Based on the evidence outlined above, the variant was classified as pathogenic.

Labcorp Genetics (formerly Invitae), Labcorp
Classification: Pathogenic. Last evaluated: 2022-03-19. Review status: criteria provided, single submitter. Criteria: Invitae Variant Classification Sherloc (09022015). Collection method: clinical testing. Allele origin: germline.
Comment: This missense change has been observed in individuals with ABCA4-related conditons (PMID: 24763286, 33090715; Invitae). This variant is not present in population databases (gnomAD no frequency). This sequence change replaces histidine, which is basic and polar, with arginine, which is basic and polar, at codon 2032 of the ABCA4 protein (p.His2032Arg). ClinVar contains an entry for this variant (Variation ID: 867188). For these reasons, this variant has been classified as Pathogenic. Advanced modeling of protein sequence and biophysical properties (such as structural, functional, and spatial information, amino acid conservation, physicochemical variation, residue mobility, and thermodynamic stability) performed at Invitae indicates that this missense variant is expected to disrupt ABCA4 protein function.

Institute of Human Genetics, Univ. Regensburg, Univ. Regensburg
Classification: Likely pathogenic for Retinal dystrophy. Last evaluated: 2021-01-01. Review status: criteria provided, single submitter. Criteria: ACMG Guidelines, 2015. Collection method: clinical testing. Allele origin: germline. Affected: yes.

Blueprint Genetics
Classification: Pathogenic for ABCA4-related disorders. Last evaluated: 2017-11-18. Review status: criteria provided, single submitter. Criteria: ACMG Guidelines, 2015. Collection method: clinical testing. Allele origin: germline. Affected: yes. Observed: 2 variant alleles.

Literature cited by the submitters: PubMed 25474345 (cited by Women's Health and Genetics/Laboratory Corporation of America, LabCorp); PubMed 33090715 (cited by Women's Health and Genetics/Laboratory Corporation of America, LabCorp and Labcorp Genetics (formerly Invitae), Labcorp); PubMed 31934596 (cited by Women's Health and Genetics/Laboratory Corporation of America, LabCorp); PubMed 39462066 (cited by Women's Health and Genetics/Laboratory Corporation of America, LabCorp); PubMed 24763286 (cited by 3 submitters); PubMed 3309071 (cited by Institute of Human Genetics, Univ. Regensburg, Univ. Regensburg).

NM_000350.3(ABCA4):c.6095A>G (p.His2032Arg)

Gene: ABCA4 (ATP binding cassette subfamily A member 4; minus strand). Cytogenetic location: 1p22.1.
Variant type: single nucleotide variant.
Coding change: c.6095A>G on transcript NM_000350.3 (MANE Select); coding-DNA position 6095, A replaced by G.
Protein change: p.His2032Arg; replaces histidine 2032 with arginine.
Molecular consequence: missense variant.
Genome position (GRCh38, 1-based): chr1:94,005,493, T>C on the plus strand (A>G on the coding strand, the complement: ABCA4 is on the minus strand). VCF-style: chr1-94005493-T-C. GRCh37 (hg19) VCF-style: chr1-94471049-T-C.
Other names: c.5873A>G, p.His1958Arg (NM_001425324.1); short protein forms H2032R, H1958R.
Identifiers: ClinVar variation 867188 (VCV000867188.15), dbSNP rs1242866408, ClinGen allele CA341279008.